The following is an entry in ClinVar:

ClinVar aggregate classification (germline): Benign/Likely benign. Review status: criteria provided, multiple submitters, no conflicts (2 of 4 stars). 3 submissions from 3 submitters: Benign (1); Likely benign (2). Last evaluated 2026-07-15.

Conditions:
Hereditary cancer-predisposing syndrome. Also called: Hereditary Cancer Syndrome; Tumor predisposition; Hereditary neoplastic syndrome; Neoplastic Syndromes, Hereditary. Identifiers: Orphanet 140162, MedGen C0027672, MeSH D009386, MONDO:0015356.
Rhabdoid tumor predisposition syndrome 2 (RTPS2). Identifiers: Orphanet 231108, Orphanet 69077, MedGen C2750074, MONDO:0013224, OMIM 613325.

Allele frequency attached by ClinVar (database versions not stated): gnomAD exomes 0.00001; TOPMed below 0.00001.
gnomAD v4.1: 7 of 779,942 alleles (0.0009%); highest among the groups gnomAD compares: African/African-American, 0.0017%; no homozygotes.

Submissions (3):

Myriad Genetics, Inc.
Classification: Benign for Rhabdoid tumor predisposition syndrome 2. Last evaluated: 2026-07-15. Review status: criteria provided, single submitter. Criteria: Myriad Autosomal Dominant, Autosomal Recessive and X-Linked Classification Criteria (2023). Collection method: clinical testing. Allele origin: unknown.
Comment: This variant is considered benign. This variant is a silent/synonymous amino acid change and it is not expected to impact splicing.

Labcorp Genetics (formerly Invitae), Labcorp
Classification: Likely benign for Rhabdoid tumor predisposition syndrome 2. Last evaluated: 2025-10-23. Review status: criteria provided, single submitter. Criteria: Invitae Variant Classification Sherloc (09022015). Collection method: clinical testing. Allele origin: germline.

Ambry Genetics
Classification: Likely benign for Hereditary cancer-predisposing syndrome. Last evaluated: 2019-09-24. Review status: criteria provided, single submitter. Criteria: Ambry Variant Classification Scheme 2023. Collection method: clinical testing. Allele origin: germline.

NM_003072.5(SMARCA4):c.3798C>T (p.Ser1266=)

Gene: SMARCA4 (SWI/SNF related BAF chromatin remodeling complex subunit ATPase 4; plus strand). Cytogenetic location: 19p13.2.
Variant type: single nucleotide variant.
Coding change: c.3798C>T on transcript NM_003072.5 (MANE Select); coding-DNA position 3798, C replaced by T.
Protein change: p.Ser1266=; no amino-acid change (serine 1266 retained).
Molecular consequence: synonymous variant. On other transcripts: intron variant (5).
Genome position (GRCh38, 1-based): chr19:11,033,790, C>T. VCF-style: chr19-11033790-C-T. GRCh37 (hg19) VCF-style: chr19-11144466-C-T.
Other names: c.3798C>T, p.Ser1266= (NM_001128844.3, NM_001128849.3, NM_001387283.1); c.3774+273C>T (NM_001128847.4, NM_001374457.1, NM_001128845.2 and 2 more transcripts).
Identifiers: ClinVar variation 238437 (VCV000238437.17), dbSNP rs878854215, ClinGen allele CA10583745.